The following is an entry in ClinVar:

NM_030973.4(MED25):c.1410G>A (p.Met470Ile)

Gene: MED25 (mediator complex subunit 25; plus strand). Cytogenetic location: 19q13.33.
Variant type: single nucleotide variant.
Coding change: c.1410G>A on transcript NM_030973.4 (MANE Select); coding-DNA position 1410, G replaced by A.
Protein change: p.Met470Ile; replaces methionine 470 with isoleucine.
Molecular consequence: missense variant.
Genome position (GRCh38, 1-based): chr19:49,832,343, G>A. VCF-style: chr19-49832343-G-A. GRCh37 (hg19) VCF-style: chr19-50335600-G-A.
Other names: c.1410G>A, p.Met470Ile (NM_001378355.1); short protein forms M470I.
Identifiers: ClinVar variation 2129882 (VCV002129882.4), dbSNP rs2514515847, ClinGen allele CA406917447.

ClinVar aggregate classification (germline): Uncertain significance (1 of 4 stars; one submission).

Conditions:
Charcot-Marie-Tooth disease type 2. Also called: Charcot-Marie-Tooth type 2. Identifiers: Orphanet 64746, MedGen C0270914, MONDO:0018993.

Submission:

Labcorp Genetics (formerly Invitae), Labcorp
Classification: Uncertain significance for Charcot-Marie-Tooth disease type 2. Last evaluated: 2022-04-24. Review status: criteria provided, single submitter. Criteria: Invitae Variant Classification Sherloc (09022015). Collection method: clinical testing. Allele origin: germline.
Comment: In summary, the available evidence is currently insufficient to determine the role of this variant in disease. Therefore, it has been classified as a Variant of Uncertain Significance. Algorithms developed to predict the effect of missense changes on protein structure and function are either unavailable or do not agree on the potential impact of this missense change (SIFT: "Deleterious"; PolyPhen-2: "Benign"; Align-GVGD: "Class C0"). This variant has not been reported in the literature in individuals affected with MED25-related conditions. This variant is not present in population databases (gnomAD no frequency). This sequence change replaces methionine, which is neutral and non-polar, with isoleucine, which is neutral and non-polar, at codon 470 of the MED25 protein (p.Met470Ile).